The following is an entry in ClinVar:

NM_006087.4(TUBB4A):c.484C>T (p.Arg162Cys)

Gene: TUBB4A (tubulin beta 4A class IVa; minus strand). Cytogenetic location: 19p13.3.
Variant type: single nucleotide variant.
Coding change: c.484C>T on transcript NM_006087.4 (MANE Select); coding-DNA position 484, C replaced by T.
Protein change: p.Arg162Cys; replaces arginine 162 with cysteine.
Molecular consequence: missense variant.
Genome position (GRCh38, 1-based): chr19:6,496,015, G>A on the plus strand (C>T on the coding strand, the complement: TUBB4A is on the minus strand). VCF-style: chr19-6496015-G-A. GRCh37 (hg19) VCF-style: chr19-6496026-G-A.
Other names: c.637C>T, p.Arg213Cys (NM_001289123.2); c.619C>T, p.Arg207Cys (NM_001289127.2); c.484C>T, p.Arg162Cys (NM_001289129.2); c.268C>T, p.Arg90Cys (NM_001289130.2, NM_001289131.2); short protein forms R162C, R207C, R213C, R90C.
Identifiers: ClinVar variation 3629768 (VCV003629768.1).

ClinVar aggregate classification (germline): Uncertain significance (1 of 4 stars; one submission).

gnomAD v4.1: 8 of 1,614,066 alleles (0.0005%); highest among the groups gnomAD compares: South Asian, 0.0022%; no homozygotes.

Submission:

Women's Health and Genetics/Laboratory Corporation of America, LabCorp
Classification: Uncertain significance. Last evaluated: 2024-11-08. Review status: criteria provided, single submitter. Criteria: LabCorp Variant Classification Summary - May 2015. Collection method: clinical testing. Allele origin: germline.
Comment: Variant summary: TUBB4A c.484C>T (p.Arg162Cys) results in a non-conservative amino acid change in the encoded protein sequence. Five of five in-silico tools predict a damaging effect of the variant on protein function. The variant was absent in 251492 control chromosomes. The available data on variant occurrences in the general population are insufficient to allow any conclusion about variant significance. To our knowledge, no occurrence of c.484C>T in individuals affected with Leukodystrophy, Hypomyelinating, 6 and no experimental evidence demonstrating its impact on protein function have been reported. No submitters have cited clinical-significance assessments for this variant to ClinVar. Based on the evidence outlined above, the variant was classified as uncertain significance.